The following is an entry in ClinVar:

ClinVar aggregate classification (germline): Uncertain significance (1 of 4 stars; one submission).

Submission:

Labcorp Genetics (formerly Invitae), Labcorp
Classification: Uncertain significance. Last evaluated: 2022-05-05. Review status: criteria provided, single submitter. Criteria: Invitae Variant Classification Sherloc (09022015). Collection method: clinical testing. Allele origin: germline.
Comment: In summary, the available evidence is currently insufficient to determine the role of this variant in disease. Therefore, it has been classified as a Variant of Uncertain Significance. This sequence change creates a premature translational stop signal (p.Gln124*) in the RECQL gene. It is expected to result in an absent or disrupted protein product. However, the current clinical and genetic evidence is not sufficient to establish whether loss-of-function variants in RECQL cause disease. This variant is not present in population databases (gnomAD no frequency). This variant has not been reported in the literature in individuals affected with RECQL-related conditions. ClinVar contains an entry for this variant (Variation ID: 1009322). Algorithms developed to predict the effect of sequence changes on RNA splicing suggest that this variant may create or strengthen a splice site.

NM_002907.4(RECQL):c.370C>T (p.Gln124Ter)

Gene: RECQL (RecQ like helicase; minus strand). Cytogenetic location: 12p12.1.
Variant type: single nucleotide variant.
Coding change: c.370C>T on transcript NM_002907.4 (MANE Select); coding-DNA position 370, C replaced by T.
Protein change: p.Gln124Ter; replaces glutamine 124 with a stop codon.
Molecular consequence: nonsense.
Genome position (GRCh38, 1-based): chr12:21,490,223, G>A on the plus strand (C>T on the coding strand, the complement: RECQL is on the minus strand). VCF-style: chr12-21490223-G-A. GRCh37 (hg19) VCF-style: chr12-21643157-G-A.
Other names: c.370C>T, p.Gln124Ter (NM_032941.3); short protein forms Q124*.
Identifiers: ClinVar variation 1009322 (VCV001009322.6), dbSNP rs1943383076, ClinGen allele CA384132258.
Genomic context (GRCh38, chr12:21,490,223, plus strand): 5'-CTTCTTCAACTCAAAATTAATTTTTTTAGTACATACCATCTGAACATAATGCTGGTAACT[G>A]GTAACATAAGCTCTTTCCACCTCCTGTAGGCATAACAAGAAATACCTCCTTTCCAGCCAT-3'